The following is an entry in ClinVar:

NM_000051.4(ATM):c.2080C>T (p.Leu694Phe)

Gene: ATM (ATM serine/threonine kinase; plus strand). Cytogenetic location: 11q22.3.
Variant type: single nucleotide variant.
Coding change: c.2080C>T on transcript NM_000051.4 (MANE Select); coding-DNA position 2080, C replaced by T.
Protein change: p.Leu694Phe; replaces leucine 694 with phenylalanine.
Molecular consequence: missense variant.
Genome position (GRCh38, 1-based): chr11:108,253,995, C>T. VCF-style: chr11-108253995-C-T. GRCh37 (hg19) VCF-style: chr11-108124722-C-T.
Other names: c.2080C>T, p.Leu694Phe (NM_001351834.2); short protein forms L694F.
Identifiers: ClinVar variation 964424 (VCV000964424.10), dbSNP rs759617968, ClinGen allele CA6264925.

ClinVar aggregate classification (germline): Uncertain significance. Review status: criteria provided, multiple submitters, no conflicts (2 of 4 stars). 3 submissions from 3 submitters: Uncertain significance (3). Last evaluated 2025-09-10.

Conditions:
Ataxia-telangiectasia syndrome (AT). Also called: ATAXIA-TELANGIECTASIA, FRESNO VARIANT; Ataxia-telangiectasia, complementation group E; Ataxia telangiectasia (A-T); LOUIS-BAR SYNDROME; Ataxia-telangiectasia, complementation group D; AT, COMPLEMENTATION GROUP C. Identifiers: Orphanet 100, MedGen C0004135, MONDO:0008840, OMIM 208900.
Hereditary cancer-predisposing syndrome. Also called: Hereditary neoplastic syndrome; Hereditary Cancer Syndrome; Tumor predisposition; Neoplastic Syndromes, Hereditary. Identifiers: Orphanet 140162, MedGen C0027672, MeSH D009386, MONDO:0015356.

Allele frequency attached by ClinVar (database versions not stated): gnomAD exomes 0.00001; ExAC 0.00002.
gnomAD v4.1: 2 of 1,613,972 alleles (0.00012%); highest among the groups gnomAD compares: South Asian, 0.0022%; no homozygotes.

Submissions (3):

Color Diagnostics, LLC DBA Color Health
Classification: Uncertain significance for Hereditary cancer-predisposing syndrome. Last evaluated: 2025-09-10. Review status: criteria provided, single submitter. Criteria: ACMG Guidelines, 2015. Collection method: clinical testing. Allele origin: germline.
Comment: This missense variant replaces leucine with phenylalanine at codon 694 of the ATM protein. Computational prediction is inconclusive regarding the impact of this variant on protein structure and function. To our knowledge, functional studies have not been reported for this variant. This variant has not been reported in individuals affected with ATM-related disorders in the literature. This variant has been identified in 2/251268 chromosomes in the general population by the Genome Aggregation Database (gnomAD). The available evidence is insufficient to determine the role of this variant in disease conclusively. Therefore, this variant is classified as a Variant of Uncertain Significance.

Ambry Genetics
Classification: Uncertain significance for Hereditary cancer-predisposing syndrome. Last evaluated: 2024-12-23. Review status: criteria provided, single submitter. Criteria: Ambry Variant Classification Scheme 2023. Collection method: clinical testing. Allele origin: germline.
Comment: The p.L694F variant (also known as c.2080C>T), located in coding exon 12 of the ATM gene, results from a C to T substitution at nucleotide position 2080. The leucine at codon 694 is replaced by phenylalanine, an amino acid with highly similar properties. This amino acid position is highly conserved in available vertebrate species. In addition, the in silico prediction for this alteration is inconclusive. Based on the available evidence, the clinical significance of this variant remains unclear.

Labcorp Genetics (formerly Invitae), Labcorp
Classification: Uncertain significance for Ataxia-telangiectasia syndrome. Last evaluated: 2024-05-28. Review status: criteria provided, single submitter. Criteria: Invitae Variant Classification Sherloc (09022015). Collection method: clinical testing. Allele origin: germline.
Comment: This sequence change replaces leucine, which is neutral and non-polar, with phenylalanine, which is neutral and non-polar, at codon 694 of the ATM protein (p.Leu694Phe). This variant is present in population databases (rs759617968, gnomAD 0.006%). This variant has not been reported in the literature in individuals affected with ATM-related conditions. ClinVar contains an entry for this variant (Variation ID: 964424). An algorithm developed to predict the effect of missense changes on protein structure and function (PolyPhen-2) suggests that this variant is likely to be disruptive. In summary, the available evidence is currently insufficient to determine the role of this variant in disease. Therefore, it has been classified as a Variant of Uncertain Significance.